The following is an entry in ClinVar:

NM_004655.4(AXIN2):c.1819C>G (p.Gln607Glu)

Gene: AXIN2 (axin 2; minus strand). Cytogenetic location: 17q24.1.
Variant type: single nucleotide variant.
Coding change: c.1819C>G on transcript NM_004655.4 (MANE Select); coding-DNA position 1819, C replaced by G.
Protein change: p.Gln607Glu; replaces glutamine 607 with glutamic acid.
Molecular consequence: missense variant. On other transcripts: intron variant (1).
Genome position (GRCh38, 1-based): chr17:65,536,957, G>C on the plus strand (C>G on the coding strand, the complement: AXIN2 is on the minus strand). VCF-style: chr17-65536957-G-C. GRCh37 (hg19) VCF-style: chr17-63533075-G-C.
Other names: c.1712+367C>G (NM_001363813.1); short protein forms Q607E.
Identifiers: ClinVar variation 2843267 (VCV002843267.3), dbSNP rs2144449769, ClinGen allele CA400676565.

ClinVar aggregate classification (germline): Uncertain significance (1 of 4 stars; one submission).

Conditions:
Oligodontia-cancer predisposition syndrome. Also called: TOOTH AGENESIS-COLORECTAL CANCER SYNDROME. Identifiers: Orphanet 300576, MedGen C1837750, MONDO:0012075, OMIM 608615. Disease mechanism: loss of function.

Submission:

Labcorp Genetics (formerly Invitae), Labcorp
Classification: Uncertain significance for Oligodontia-cancer predisposition syndrome. Last evaluated: 2023-04-06. Review status: criteria provided, single submitter. Criteria: Invitae Variant Classification Sherloc (09022015). Collection method: clinical testing. Allele origin: germline.
Comment: This variant is not present in population databases (gnomAD no frequency). This variant has not been reported in the literature in individuals affected with AXIN2-related conditions. An algorithm developed to predict the effect of missense changes on protein structure and function (PolyPhen-2) suggests that this variant is likely to be disruptive. In summary, the available evidence is currently insufficient to determine the role of this variant in disease. Therefore, it has been classified as a Variant of Uncertain Significance. This sequence change replaces glutamine, which is neutral and polar, with glutamic acid, which is acidic and polar, at codon 607 of the AXIN2 protein (p.Gln607Glu).